The following is an entry in ClinVar:

NM_001199397.3(NEK1):c.1081-6_1081-3del

Gene: NEK1 (NIMA related kinase 1; minus strand). Cytogenetic location: 4q33.
Variant type: Microsatellite.
Coding change: c.1081-6_1081-3del on transcript NM_001199397.3 (MANE Select); 6 bases into the intron before coding-DNA position 1081 through 3 bases into the intron before coding-DNA position 1081, 4 bases deleted (TTTA; older notation c.1081-6_1081-3delTTTA).
Molecular consequence: intron variant.
Genome position (GRCh38, 1-based): chr4:169,561,894-169,561,897, TAAA deleted on the plus strand (TTTA on the coding strand, the reverse complement: NEK1 is on the minus strand); deleting any 4 consecutive bases within chr4:169,561,894-169,561,901 gives the same sequence; the c. name uses the placement nearest the transcript's 3' end. VCF-style (leftmost placement, unchanged base first): chr4-169561893-TTAAA-T. GRCh37 (hg19) VCF-style: chr4-170483044-TTAAA-T.
Other names: c.1081-6_1081-3del (NM_001374421.1, NM_001374420.1, NM_001199399.3 and 7 more transcripts).
Identifiers: ClinVar variation 757583 (VCV000757583.11), dbSNP rs751377061, ClinGen allele CA3137855.

ClinVar aggregate classification (germline): Likely benign. Review status: criteria provided, single submitter (1 of 4 stars). 2 submissions from 2 submitters: Likely benign (1). 1 of the submissions does not count toward it. Last evaluated 2024-06-03.

Conditions:
NEK1-related disorder. Also called: NEK1-related condition.
Short-rib thoracic dysplasia 6 with or without polydactyly (SRTD6). Also called: SHORT RIB-POLYDACTYLY SYNDROME, TYPE IIA; POLYDACTYLY WITH NEONATAL CHONDRODYSTROPHY, TYPE II; Majewski Syndrome; SHORT-RIB THORACIC DYSPLASIA 6 WITH POLYDACTYLY; SHORT-RIB THORACIC DYSPLASIA 6 WITHOUT POLYDACTYLY. Identifiers: MedGen C0024507, MONDO:0009894, OMIM 263520.

Submissions (2):

Labcorp Genetics (formerly Invitae), Labcorp
Classification: Likely benign for Short-rib thoracic dysplasia 6 with or without polydactyly. Last evaluated: 2024-06-03. Review status: criteria provided, single submitter. Criteria: Invitae Variant Classification Sherloc (09022015). Collection method: clinical testing. Allele origin: germline.

PreventionGenetics, part of Exact Sciences
Classification: Likely benign for NEK1-related condition. Last evaluated: 2022-08-26. Review status: no assertion criteria provided. Collection method: clinical testing. Allele origin: germline. Not counted in ClinVar's aggregate classification.
Comment: This variant is classified as likely benign based on ACMG/AMP sequence variant interpretation guidelines (Richards et al. 2015 PMID: 25741868, with internal and published modifications).